The following is an entry in ClinVar:

NM_007363.5(NONO):c.*4G>A

Gene: NONO (non-POU domain containing octamer binding; plus strand). Cytogenetic location: Xq13.1.
Variant type: single nucleotide variant.
Coding change: c.*4G>A on transcript NM_007363.5 (MANE Select); 4 bases downstream of the stop codon, G replaced by A.
Molecular consequence: 3 prime UTR variant.
Genome position (GRCh38, 1-based): chrX:71,300,080, G>A. VCF-style: chrX-71300080-G-A. GRCh37 (hg19) VCF-style: chrX-70519930-G-A.
Other names: c.*4G>A (NM_001145408.2, NM_001145409.2, NM_001145410.2).
Identifiers: ClinVar variation 4873144 (VCV004873144.2).
Genomic context (GRCh38, chrX:71,300,080, plus strand): 5'-TTCAACCGTGCAGCTCCTGGAGCTGAATTTGCCCCAAACAAACGTCGCCGATACTAATAA[G>A]TTGCAGTGTCTAGTTTCTCAAAACCCTTAAAAGAAGGACCCTTTTTGGACTAGCCAGAAT-3'

ClinVar aggregate classification (germline): Likely benign (1 of 4 stars; one submission).

Submission:

CeGaT Center for Human Genetics Tuebingen
Classification: Likely benign. Last evaluated: 2026-05-01. Review status: criteria provided, single submitter. Criteria: CeGaT Center For Human Genetics Tuebingen Variant Classification Criteria Version 2. Collection method: clinical testing. Allele origin: germline. Affected: yes. Observed: 1 variant allele.
Comment: NONO: PM2:Supporting, BP4, BP7